The following is an entry in ClinVar:

ClinVar aggregate classification (germline): Pathogenic. Review status: criteria provided, multiple submitters, no conflicts (2 of 4 stars). 5 submissions from 5 submitters: Pathogenic (5). Last evaluated 2024-10-17.

Conditions:
Monocytopenia with susceptibility to infections. Also called: GATA2 DEFICIENCY; MONOCYTOPENIA AND MYCOBACTERIAL INFECTION SYNDROME; MONOCYTOPENIA WITH SUSCEPTIBILITY TO MYCOBACTERIAL, FUNGAL, AND PAPILLOMAVIRUS INFECTIONS AND MYELODYSPLASIA; COMBINED IMMUNODEFICIENCY WITH SUSCEPTIBILITY TO MYCOBACTERIAL, VIRAL, AND FUNGAL INFECTIONS; Dendritic cell, monocyte, B lymphocyte, and natural killer lymphocyte deficiency; IMMUNODEFICIENCY 21. Identifiers: Orphanet 228423, MedGen C3280030, MONDO:0013607, OMIM 614172.
Deafness-lymphedema-leukemia syndrome. Also called: Lymphedema, primary, with myelodysplasia; Emberger syndrome. Identifiers: Orphanet 3226, MedGen C3279664, MONDO:0013540, OMIM 614038.
GATA2 deficiency with susceptibility to MDS/AML. Identifiers: MedGen CN300066, MONDO:0042982.
GATA2-related disorder. Also called: GATA2-Related Disorders; GATA2-related condition.

Submissions (5):

Labcorp Genetics (formerly Invitae), Labcorp
Classification: Pathogenic for Monocytopenia with susceptibility to infections; Deafness-lymphedema-leukemia syndrome. Last evaluated: 2024-10-17. Review status: criteria provided, single submitter. Criteria: Invitae Variant Classification Sherloc (09022015). Collection method: clinical testing. Allele origin: germline.
Comment: This sequence change replaces arginine, which is basic and polar, with glutamine, which is neutral and polar, at codon 396 of the GATA2 protein (p.Arg396Gln). This variant is not present in population databases (gnomAD no frequency). This missense change has been observed in individual(s) with GATA2 deficiency (PMID: 21670465, 22430350, 22533337, 23223431, 24077845, 25624456). In at least one individual the variant was observed to be de novo. It has also been observed to segregate with disease in related individuals. ClinVar contains an entry for this variant (Variation ID: 472437). Invitae Evidence Modeling of protein sequence and biophysical properties (such as structural, functional, and spatial information, amino acid conservation, physicochemical variation, residue mobility, and thermodynamic stability) indicates that this missense variant is expected to disrupt GATA2 protein function with a positive predictive value of 95%. Experimental studies have shown that this missense change affects GATA2 function (PMID: 25624456). For these reasons, this variant has been classified as Pathogenic.

GeneDx
Classification: Pathogenic. Last evaluated: 2024-09-16. Review status: criteria provided, single submitter. Criteria: GeneDx Variant Classification Process June 2021. Collection method: clinical testing. Allele origin: germline. Affected: yes.
Comment: Observed in individuals with GATA2-related disorder in published literature (PMID: 22533337, 22430350, 23223431, 25624456, 21670465); Published functional studies demonstrate a damaging effect: decrease in GATA2 activity, likely caused by haploinsufficiency (PMID: 25624456, 29882021, 33417088); Not observed at significant frequency in large population cohorts (gnomAD); In silico analysis supports that this missense variant has a deleterious effect on protein structure/function; This variant is associated with the following publications: (PMID: 34576178, 33533142, 27680514, 29724903, 28485484, 23502222, 31256854, 34134972, 34469508, 24044512, 25359990, 26710799, 20040766, 30578959, 32088370, 8701948, 24227816, 26702063, 25624456, 33417088, 29882021, 22430350, 21670465, 22533337, 37837580, 24077845, 34529785, 23223431)

Blueprint Genetics
Classification: Pathogenic for GATA2-related disorders. Last evaluated: 2021-10-11. Review status: criteria provided, single submitter. Criteria: ACMG Guidelines, 2015. Collection method: clinical testing. Allele origin: germline. Affected: yes. Observed: 3 variant alleles.

Molecular Pathology Research Laboratory, SA Pathology
Classification: Pathogenic for GATA2 deficiency with susceptibility to MDS/AML; Deafness-lymphedema-leukemia syndrome. Last evaluated: 2021-07-06. Review status: criteria provided, single submitter. Criteria: ACMG Guidelines, 2015. Collection method: curation. Allele origin: germline. Inheritance: Autosomal dominant inheritance. Affected: yes. Observed: 24 variant alleles. Clinical features observed: Myelodysplasia, Acute Myeloid Leukemia, Immunodeficiency, Lymphedema, Hematological abnormality.
Comment: PS2, PS3, PS4, PM1, PM2, PM5, PP1_Moderate, PP3

PreventionGenetics, part of Exact Sciences
Classification: Pathogenic. Last evaluated: 2017-01-30. Review status: criteria provided, single submitter. Criteria: ACMG Guidelines, 2015. Collection method: clinical testing. Allele origin: germline.

Literature cited by the submitters: PubMed 21670465 (cited by Labcorp Genetics (formerly Invitae), Labcorp and Molecular Pathology Research Laboratory, SA Pathology); PubMed 22430350 (cited by Labcorp Genetics (formerly Invitae), Labcorp and Molecular Pathology Research Laboratory, SA Pathology); PubMed 22533337 (cited by Labcorp Genetics (formerly Invitae), Labcorp and Molecular Pathology Research Laboratory, SA Pathology); PubMed 23223431 (cited by Labcorp Genetics (formerly Invitae), Labcorp and Molecular Pathology Research Laboratory, SA Pathology); PubMed 24077845 (cited by Labcorp Genetics (formerly Invitae), Labcorp and Molecular Pathology Research Laboratory, SA Pathology); PubMed 25624456 (cited by Labcorp Genetics (formerly Invitae), Labcorp and Molecular Pathology Research Laboratory, SA Pathology); PubMed 32088370 (cited by Molecular Pathology Research Laboratory, SA Pathology); PubMed 27680514 (cited by Molecular Pathology Research Laboratory, SA Pathology); PubMed 24227816 (cited by Molecular Pathology Research Laboratory, SA Pathology); PubMed 20040766 (cited by Molecular Pathology Research Laboratory, SA Pathology); PubMed 30578959 (cited by Molecular Pathology Research Laboratory, SA Pathology); PubMed 8701948 (cited by Molecular Pathology Research Laboratory, SA Pathology); PubMed 23502222 (cited by Molecular Pathology Research Laboratory, SA Pathology); PubMed 25359990 (cited by Molecular Pathology Research Laboratory, SA Pathology); PubMed 29724903 (cited by Molecular Pathology Research Laboratory, SA Pathology); PubMed 26710799 (cited by Molecular Pathology Research Laboratory, SA Pathology); PubMed 26702063 (cited by Molecular Pathology Research Laboratory, SA Pathology); PubMed 33417088 (cited by Molecular Pathology Research Laboratory, SA Pathology); PubMed 31256854 (cited by Molecular Pathology Research Laboratory, SA Pathology).

NM_032638.5(GATA2):c.1187G>A (p.Arg396Gln)

Gene: GATA2 (GATA binding protein 2; minus strand). Cytogenetic location: 3q21.3.
Variant type: single nucleotide variant.
Coding change: c.1187G>A on transcript NM_032638.5 (MANE Select); coding-DNA position 1187, G replaced by A.
Protein change: p.Arg396Gln; replaces arginine 396 with glutamine.
Molecular consequence: missense variant.
Genome position (GRCh38, 1-based): chr3:128,481,275, C>T on the plus strand (G>A on the coding strand, the complement: GATA2 is on the minus strand). VCF-style: chr3-128481275-C-T. GRCh37 (hg19) VCF-style: chr3-128200118-C-T.
Other names: c.1187G>A, p.Arg396Gln (NM_001145661.2); c.1145G>A, p.Arg382Gln (NM_001145662.1); short protein forms R396Q, R382Q.
Identifiers: ClinVar variation 472437 (VCV000472437.11), dbSNP rs1553770434, ClinGen allele CA354413234.